The following is an entry in ClinVar:

ClinVar aggregate classification (germline): Uncertain significance. Review status: criteria provided, multiple submitters, no conflicts (2 of 4 stars). 2 submissions from 2 submitters: Uncertain significance (2). Last evaluated 2023-03-22.

Conditions:
Pheochromocytoma/paraganglioma syndrome 5. Also called: Paragangliomas 5; SDHA-Related Hereditary Paraganglioma-Pheochromocytoma Syndrome. Identifiers: Orphanet 29072, MedGen C3279992, MONDO:0013602, OMIM 614165.
Mitochondrial complex II deficiency, nuclear type 1. Also called: SUCCINATE CoQ REDUCTASE DEFICIENCY. Identifiers: Orphanet 3208, MedGen C5700310, MONDO:0100294, OMIM 252011.
Hereditary cancer-predisposing syndrome. Also called: Hereditary Cancer Syndrome; Hereditary neoplastic syndrome; Neoplastic Syndromes, Hereditary; Tumor predisposition. Identifiers: Orphanet 140162, MedGen C0027672, MeSH D009386, MONDO:0015356.

Submissions (2):

Ambry Genetics
Classification: Uncertain significance for Hereditary cancer-predisposing syndrome. Last evaluated: 2023-03-22. Review status: criteria provided, single submitter. Criteria: Ambry Variant Classification Scheme 2023. Collection method: clinical testing. Allele origin: germline.
Comment: The p.A186S variant (also known as c.556G>T), located in coding exon 5 of the SDHA gene, results from a G to T substitution at nucleotide position 556. The alanine at codon 186 is replaced by serine, an amino acid with similar properties. This amino acid position is conserved. In addition, the in silico prediction for this alteration is inconclusive. Since supporting evidence is limited at this time, the clinical significance of this alteration remains unclear.

Labcorp Genetics (formerly Invitae), Labcorp
Classification: Uncertain significance for Pheochromocytoma/paraganglioma syndrome 5; Mitochondrial complex II deficiency, nuclear type 1. Last evaluated: 2022-06-01. Review status: criteria provided, single submitter. Criteria: Invitae Variant Classification Sherloc (09022015). Collection method: clinical testing. Allele origin: germline.
Comment: This sequence change replaces alanine, which is neutral and non-polar, with serine, which is neutral and polar, at codon 186 of the SDHA protein (p.Ala186Ser). This variant is not present in population databases (gnomAD no frequency). This variant has not been reported in the literature in individuals affected with SDHA-related conditions. Advanced modeling of protein sequence and biophysical properties (such as structural, functional, and spatial information, amino acid conservation, physicochemical variation, residue mobility, and thermodynamic stability) performed at Invitae indicates that this missense variant is not expected to disrupt SDHA protein function. In summary, the available evidence is currently insufficient to determine the role of this variant in disease. Therefore, it has been classified as a Variant of Uncertain Significance.

NM_004168.4(SDHA):c.556G>T (p.Ala186Ser)

Gene: SDHA (succinate dehydrogenase complex flavoprotein subunit A; plus strand). Cytogenetic location: 5p15.33.
Variant type: single nucleotide variant.
Coding change: c.556G>T on transcript NM_004168.4 (MANE Select); coding-DNA position 556, G replaced by T.
Protein change: p.Ala186Ser; replaces alanine 186 with serine.
Molecular consequence: missense variant.
Genome position (GRCh38, 1-based): chr5:225,982, G>T. VCF-style: chr5-225982-G-T. GRCh37 (hg19) VCF-style: chr5-226097-G-T.
Other names: c.412G>T, p.Ala138Ser (NM_001294332.2); c.556G>T, p.Ala186Ser (NM_001330758.2); c.556G>T (NM_004168.2); short protein forms A138S, A186S.
Identifiers: ClinVar variation 2001634 (VCV002001634.6), dbSNP rs2126549990, ClinGen allele CA359010388.
Genomic context (GRCh38, chr5:225,982, plus strand): 5'-GGGAAGATTTATCAGCGTGCATTTGGTGGACAGAGCCTCAAGTTTGGAAAGGGCGGGCAG[G>T]CCCATCGGTGCTGCTGTGTGGCTGATCGGACTGGCCACTCGCTATTGCACACCTTATATG-3'
Protein context (NP_004159.2, residues 176-196): QSLKFGKGGQ[Ala186Ser]HRCCCVADRT